The following is an entry in ClinVar:

NM_005154.5(USP8):c.1330C>T (p.Arg444Cys)

Gene: USP8 (ubiquitin specific peptidase 8; plus strand). Cytogenetic location: 15q21.2.
Variant type: single nucleotide variant.
Coding change: c.1330C>T on transcript NM_005154.5 (MANE Select); coding-DNA position 1330, C replaced by T.
Protein change: p.Arg444Cys; replaces arginine 444 with cysteine.
Molecular consequence: missense variant.
Genome position (GRCh38, 1-based): chr15:50,481,592, C>T. VCF-style: chr15-50481592-C-T. GRCh37 (hg19) VCF-style: chr15-50773789-C-T.
Other names: p.Arg444Cys; c.1330C>T (NM_001128610.2); c.1330C>T, p.Arg444Cys (NM_001128610.3); c.1099C>T, p.Arg367Cys (NM_001283049.2); short protein forms R367C, R444C.
Identifiers: ClinVar variation 704010 (VCV000704010.9), dbSNP rs148244041, ClinGen allele CA7555704.
Genomic context (GRCh38, chr15:50,481,592, plus strand): 5'-AAATCTGAAAGTACAAACCATGAGCAACAATCTCCTCAGAGTGGAAAAGTTATTCCTGAT[C>T]GTTCCACCAAGCCAGTAGTTTTTTCTCCAACTCTCATGTTAACAGATGAAGAAAAGGCTC-3'
Protein context (NP_005145.3, residues 434-454): SPQSGKVIPD[Arg444Cys]STKPVVFSPT

ClinVar aggregate classification (germline): Conflicting classifications of pathogenicity. Review status: criteria provided, conflicting classifications (1 of 4 stars). 2 submissions from 2 submitters: Uncertain significance (1); Likely benign (1). Last evaluated 2025-10-08.

Conditions:
Hereditary spastic paraplegia. Also called: Familial spastic paraparesis. Identifiers: Orphanet 685, MedGen C0037773, MONDO:0019064. Disease mechanism: loss of function.
Autosomal recessive spastic paraplegia type 59. Identifiers: Orphanet 401795, MedGen C4750857, MONDO:0018416.

Allele frequency attached by ClinVar (database versions not stated): ExAC 0.00034; ESP Exome Variant Server 0.00062; TOPMed 0.00075; 1000 Genomes Project 30x 0.00203; 1000 Genomes Project 0.00260.
gnomAD v4.1: 397 of 1,613,982 alleles (0.025%); highest among the groups gnomAD compares: African/African-American, 0.25%; 3 homozygotes.

Submissions (2):

Labcorp Genetics (formerly Invitae), Labcorp
Classification: Likely benign for Hereditary spastic paraplegia. Last evaluated: 2025-10-08. Review status: criteria provided, single submitter. Criteria: Invitae Variant Classification Sherloc (09022015). Collection method: clinical testing. Allele origin: germline.

University of Science and Technology Houari Boumediene, Laboratory of Molecular and Cellular Biology (LBCM)
Classification: Uncertain significance for Autosomal recessive spastic paraplegia type 59. Last evaluated: 2024-04-20. Review status: criteria provided, single submitter. Criteria: ACMG Guidelines, 2015. Collection method: research. Allele origin: biparental. Inheritance: Autosomal recessive inheritance. Affected: yes. Observed: 1 homozygote.
Comment: This missense variant results in the substitution of a highly conserved arginine (present in 10 species), located in the STAM-binding motif 2 of USP8, with cysteine. Amino acid alignments were generated using Alamut® Visual v.2.15 software (Interactive Biosoftware, SOPHiA GENETICS). This variant is present at a low frequency in the 1000 Genomes [allele frequency, AF = 5.494e-3] and gnomAD [AF = 3.09e-4] databases. It is predicted to be pathogenic by four in silico prediction tools (CADD, SIFT, PolyPhen-2, and MutationTaster). Complete co-segregation between the variant allele and the disease distribution was observed in this consanguineous family.